The following is an entry in ClinVar:

ClinVar aggregate classification (germline): Benign. Review status: criteria provided, multiple submitters, no conflicts (2 of 4 stars). 3 submissions from 3 submitters: Benign (3). Last evaluated 2021-07-30.

Conditions:
Combined deficiency of sialidase AND beta galactosidase (GSL). Also called: Galactosialidosis; NEURAMINIDASE DEFICIENCY WITH BETA-GALACTOSIDASE DEFICIENCY; NEURAMINIDASE/BETA-GALACTOSIDASE EXPRESSION; PPCA DEFICIENCY; PROTECTIVE PROTEIN/CATHEPSIN A DEFICIENCY; CATHEPSIN A DEFICIENCY. Identifiers: Orphanet 351, MedGen C0268233, MONDO:0009737, OMIM 256540.

Allele frequency attached by ClinVar (database versions not stated): ESP Exome Variant Server 0.63724; gnomAD 0.65662 and 0.65861; TOPMed 0.65769; ExAC 0.66096; gnomAD exomes 0.66469; 1000 Genomes Project 30x 0.67973; 1000 Genomes Project 0.68011.
gnomAD v4.1: 904,248 of 1,393,124 alleles (65%); highest among the groups gnomAD compares: Admixed American, 76%; 295,240 homozygotes.

Submissions (3):

Genome-Nilou Lab
Classification: Benign for Combined deficiency of sialidase AND beta galactosidase. Last evaluated: 2021-07-30. Review status: criteria provided, single submitter. Criteria: ACMG Guidelines, 2015. Collection method: clinical testing. Allele origin: germline. Affected: no.

GeneDx
Classification: Benign. Last evaluated: 2018-06-19. Review status: criteria provided, single submitter. Criteria: GeneDx Variant Classification (06012015). Collection method: clinical testing. Allele origin: germline. Affected: yes.
Comment: This variant is considered likely benign or benign based on one or more of the following criteria: it is a conservative change, it occurs at a poorly conserved position in the protein, it is predicted to be benign by multiple in silico algorithms, and/or has population frequency not consistent with disease.

Breakthrough Genomics
Classification: Benign. Review status: criteria provided, single submitter. Criteria: ACMG Guidelines, 2015. Collection method: not provided. Allele origin: germline. Inheritance: Autosomal recessive inheritance. Affected: yes.

NM_000308.4(CTSA):c.693-33A>G

Gene: CTSA (cathepsin A; plus strand). Cytogenetic location: 20q13.12.
Variant type: single nucleotide variant.
Coding change: c.693-33A>G on transcript NM_000308.4 (MANE Select); 33 bases into the intron before coding-DNA position 693, A replaced by G.
Molecular consequence: intron variant.
Genome position (GRCh38, 1-based): chr20:45,893,955, A>G. VCF-style: chr20-45893955-A-G. GRCh37 (hg19) VCF-style: chr20-44522594-A-G.
Other names: c.693-33A>G (NM_001127695.3); c.642-33A>G (NM_001167594.3).
Identifiers: ClinVar variation 683633 (VCV000683633.6), dbSNP rs4810476, ClinGen allele CA9883123.